The following is an entry in ClinVar:

NM_000182.5(HADHA):c.36del (p.Ser14fs)

Genes: HADHA (hydroxyacyl-CoA dehydrogenase trifunctional multienzyme complex subunit alpha; minus strand), HADHB (hydroxyacyl-CoA dehydrogenase trifunctional multienzyme complex subunit beta; plus strand). Cytogenetic location: 2p23.3.
Variant type: Deletion.
Coding change: c.36del on transcript NM_000182.5 (MANE Select); coding-DNA position 36, one base deleted (C; older notation c.36delC).
Protein change: p.Ser14fs; shifts the reading frame from serine 14.
Molecular consequence: frameshift variant.
Genome position (GRCh38, 1-based): chr2:26,244,561, G deleted on the plus strand (C on the coding strand, the reverse complement: HADHA is on the minus strand). VCF-style (leftmost placement, unchanged base first): chr2-26244560-AG-A. GRCh37 (hg19) VCF-style: chr2-26467428-AG-A.
Other names: short protein forms S14fs.
Identifiers: ClinVar variation 4817875 (VCV004817875.1).
Genomic context (GRCh38, chr2:26,244,560, plus strand): 5'-AGGTCTGGGATGCCCTCGGCCAGGCCTCACCTCGGGAGCGGAGGATCCTGAAGGCAGAAA[AG>A]CGGCTGAGGATGCCAATCGCCCGGCAGGCCACCATCTTGAGCTGAAGAGGACAGCAGTGG-3'

ClinVar aggregate classification (germline): Likely pathogenic (1 of 4 stars; one submission).

Conditions:
Long chain 3-hydroxyacyl-CoA dehydrogenase deficiency. Also called: Deficiency of long-chain 3-hydroxyacyl-coenzyme A dehydrogenase; LCHAD Deficiency. Identifiers: Orphanet 5, MedGen C3711645, MONDO:0012173, OMIM 609016.

Submission:

Natera, Inc.
Classification: Likely pathogenic for Deficiency of long-chain 3-hydroxyacyl-coenzyme A dehydrogenase. Last evaluated: 2025-08-15. Review status: criteria provided, single submitter. Criteria: Natera Variant Classification Schema (03/2026). Collection method: clinical testing. Allele origin: germline.
Comment: The c.36del variant in HADHA is a frameshift variant predicted to shift the reading frame beginning at codon 14 and leads to a stop codon 23 codons downstream. This variant is expected to result in nonsense mediated decay, truncation, or a dysfunctional protein product. This variant is rare in the general population with a frequency below the threshold expected for the associated phenotype(s). Given the available evidence, this variant is classified as Likely Pathogenic.